The following is an entry in ClinVar:

ClinVar aggregate classification (germline): Uncertain significance (1 of 4 stars; one submission).

Allele frequency attached by ClinVar (database versions not stated): gnomAD 0.00002.
gnomAD v4.1: 9 of 1,613,974 alleles (0.00056%); highest among the groups gnomAD compares: Admixed American, 0.0017%; no homozygotes.

Submission:

Labcorp Genetics (formerly Invitae), Labcorp
Classification: Uncertain significance. Last evaluated: 2024-12-12. Review status: criteria provided, single submitter. Criteria: Invitae Variant Classification Sherloc (09022015). Collection method: clinical testing. Allele origin: germline.
Comment: This sequence change replaces isoleucine, which is neutral and non-polar, with valine, which is neutral and non-polar, at codon 222 of the PDE6C protein (p.Ile222Val). This variant is present in population databases (no rsID available, gnomAD 0.01%). This variant has not been reported in the literature in individuals affected with PDE6C-related conditions. ClinVar contains an entry for this variant (Variation ID: 853935). Invitae Evidence Modeling of protein sequence and biophysical properties (such as structural, functional, and spatial information, amino acid conservation, physicochemical variation, residue mobility, and thermodynamic stability) indicates that this missense variant is not expected to disrupt PDE6C protein function with a negative predictive value of 95%. In summary, the available evidence is currently insufficient to determine the role of this variant in disease. Therefore, it has been classified as a Variant of Uncertain Significance.

NM_006204.4(PDE6C):c.664A>G (p.Ile222Val)

Gene: PDE6C (phosphodiesterase 6C; plus strand). Cytogenetic location: 10q23.33.
Variant type: single nucleotide variant.
Coding change: c.664A>G on transcript NM_006204.4 (MANE Select); coding-DNA position 664, A replaced by G.
Protein change: p.Ile222Val; replaces isoleucine 222 with valine.
Molecular consequence: missense variant.
Genome position (GRCh38, 1-based): chr10:93,620,921, A>G. VCF-style: chr10-93620921-A-G. GRCh37 (hg19) VCF-style: chr10-95380678-A-G.
Other names: short protein forms I222V.
Identifiers: ClinVar variation 853935 (VCV000853935.10), dbSNP rs1336988861, ClinGen allele CA377627231.
Genomic context (GRCh38, chr10:93,620,921, plus strand): 5'-CCATAACTTGTTATTCTCTGCCGTCTGTAGGTCTTTTCCAAATACCTCAACTTTGTGTCT[A>G]TCATCCTAAGGCTTCATCACACCAGCTACATGTACAATATTGAATCCCGAAGAAGCCAGG-3'
Protein context (NP_006195.3, residues 212-232): VFSKYLNFVS[Ile222Val]ILRLHHTSYM